The following is an entry in ClinVar:

ClinVar aggregate classification (germline): Pathogenic (0 of 4 stars; one submission).

Conditions:
RIT1-related disorder. Also called: RIT1-related condition.

Submission:

PreventionGenetics, part of Exact Sciences
Classification: Pathogenic for RIT1-related condition. Last evaluated: 2024-03-07. Review status: no assertion criteria provided. Collection method: clinical testing. Allele origin: germline.
Comment: The RIT1 c.120A>T variant is predicted to result in the amino acid substitution p.Lys40Asn. In an alternate transcript (NM_006912.5) this variant is known as c.69A>T (p.Lys23Asn). This variant has been reported as de novo in an individual with Noonan syndrome, leukopenia, and transient myeloproliferation (Nemcikova et al. 2016. PubMed ID: 26518681). Additionally, an alternate nucleotide substitution (c.69A>C) resulting in the same missense variant has been reported as pathogenic (Kouz et al. 2016. PubMed ID: 27101134; Li et al. 2019. PubMed ID: 31219622). Additionally, alternate missense variants affecting this amino acid (p.Lys40Gln, p.Lys40Glu, p.Lys40Arg) have been reported as pathogenic (Table S1, Bowling et al. 2017. PubMed ID: 28554332; Swarts et al. 2022. PubMed ID: 35979676; Table S1, Papadopoulos et al. 2022. PubMed ID: 35904599). This variant has not been reported in a large population database, indicating this variant is rare. This variant is interpreted as pathogenic.

NM_006912.6(RIT1):c.69A>T (p.Lys23Asn)

Gene: RIT1 (Ras like without CAAX 1; minus strand). Cytogenetic location: 1q22.
Variant type: single nucleotide variant.
Coding change: c.69A>T on transcript NM_006912.6 (MANE Select); coding-DNA position 69, A replaced by T.
Protein change: p.Lys23Asn; replaces lysine 23 with asparagine.
Molecular consequence: missense variant. On other transcripts: intron variant (1).
Genome position (GRCh38, 1-based): chr1:155,910,693, T>A on the plus strand (A>T on the coding strand, the complement: RIT1 is on the minus strand). VCF-style: chr1-155910693-T-A. GRCh37 (hg19) VCF-style: chr1-155880484-T-A.
Other names: c.120A>T, p.Lys40Asn (NM_001256821.2); c.-2-187A>T (NM_001256820.2); short protein forms K23N, K40N.
Identifiers: ClinVar variation 3349333 (VCV003349333.1).